The following is an entry in ClinVar:

NM_021147.5(CCNO):c.281A>G (p.Asp94Gly)

Genes: CCNO (cyclin O; minus strand), LOC129993895 (ATAC-STARR-seq lymphoblastoid silent region 16013; plus strand). Cytogenetic location: 5q11.2.
Variant type: single nucleotide variant.
Coding change: c.281A>G on transcript NM_021147.5 (MANE Select); coding-DNA position 281, A replaced by G.
Protein change: p.Asp94Gly; replaces aspartic acid 94 with glycine.
Molecular consequence: missense variant. On other transcripts: non-coding transcript variant (2).
Genome position (GRCh38, 1-based): chr5:55,233,243, T>C on the plus strand (A>G on the coding strand, the complement: CCNO is on the minus strand). VCF-style: chr5-55233243-T-C. GRCh37 (hg19) VCF-style: chr5-54529071-T-C.
Other names: c.281A>G (NM_021147.3); short protein forms D94G.
Identifiers: ClinVar variation 1020171 (VCV001020171.8), dbSNP rs892790252, ClinGen allele CA118945028.

ClinVar aggregate classification (germline): Uncertain significance. Review status: criteria provided, multiple submitters, no conflicts (2 of 4 stars). 2 submissions from 2 submitters: Uncertain significance (2). Last evaluated 2025-07-15.

Conditions:
Inborn genetic diseases. Identifiers: MedGen C0950123, MeSH D030342.
Primary ciliary dyskinesia. Also called: Ciliary dyskinesia. Identifiers: Orphanet 244, MedGen C0008780, MONDO:0016575, HP:0012265.

Allele frequency attached by ClinVar (database versions not stated): gnomAD 0.00002; gnomAD exomes 0.00002; TOPMed 0.00002.

Submissions (2):

Ambry Genetics
Classification: Uncertain significance for Inborn genetic diseases. Last evaluated: 2025-07-15. Review status: criteria provided, single submitter. Criteria: Ambry Variant Classification Scheme 2023. Collection method: clinical testing. Allele origin: germline.

Labcorp Genetics (formerly Invitae), Labcorp
Classification: Uncertain significance for Primary ciliary dyskinesia. Last evaluated: 2020-03-19. Review status: criteria provided, single submitter. Criteria: Invitae Variant Classification Sherloc (09022015). Collection method: clinical testing. Allele origin: germline.
Comment: In summary, the available evidence is currently insufficient to determine the role of this variant in disease. Therefore, it has been classified as a Variant of Uncertain Significance. Algorithms developed to predict the effect of missense changes on protein structure and function are either unavailable or do not agree on the potential impact of this missense change (SIFT: "Deleterious"; PolyPhen-2: "Not Available"; Align-GVGD: "Class C0"). This variant has not been reported in the literature in individuals with CCNO-related conditions. This variant is not present in population databases (ExAC no frequency). This sequence change replaces aspartic acid with glycine at codon 94 of the CCNO protein (p.Asp94Gly). The aspartic acid residue is weakly conserved and there is a moderate physicochemical difference between aspartic acid and glycine.